The following is an entry in ClinVar:

NM_005431.2(XRCC2):c.143G>A (p.Gly48Asp)

Gene: XRCC2 (X-ray repair cross complementing 2; minus strand). Cytogenetic location: 7q36.1.
Variant type: single nucleotide variant.
Coding change: c.143G>A on transcript NM_005431.2 (MANE Select); coding-DNA position 143, G replaced by A.
Protein change: p.Gly48Asp; replaces glycine 48 with aspartic acid.
Molecular consequence: missense variant.
Genome position (GRCh38, 1-based): chr7:152,649,342, C>T on the plus strand (G>A on the coding strand, the complement: XRCC2 is on the minus strand). VCF-style: chr7-152649342-C-T. GRCh37 (hg19) VCF-style: chr7-152346427-C-T.
Other names: short protein forms G48D.
Identifiers: ClinVar variation 962537 (VCV000962537.9), dbSNP rs2098027535, ClinGen allele CA370199329.
Genomic context (GRCh38, chr7:152,649,342, plus strand): 5'-GGAAGTATACATCGTGCTGTTAGGTGATAAAGCATTTCTGTTTTTCCTGTTCCTTCTGGG[C>T]CATGAAATTCAAGAATATCACCTGTGTAAAATTTAAAAATCTCAGTCAAAATGCAGTAGC-3'
Protein context (NP_005422.1, residues 38-58): PVHGDILEFH[Gly48Asp]PEGTGKTEML

ClinVar aggregate classification (germline): Uncertain significance (1 of 4 stars; one submission).

Submission:

Labcorp Genetics (formerly Invitae), Labcorp
Classification: Uncertain significance. Last evaluated: 2019-11-10. Review status: criteria provided, single submitter. Criteria: Invitae Variant Classification Sherloc (09022015). Collection method: clinical testing. Allele origin: germline.
Comment: In summary, the available evidence is currently insufficient to determine the role of this variant in disease. Therefore, it has been classified as a Variant of Uncertain Significance. Algorithms developed to predict the effect of missense changes on protein structure and function are either unavailable or do not agree on the potential impact of this missense change (SIFT: "Deleterious"; PolyPhen-2: "Probably Damaging"; Align-GVGD: "Class C0"). This variant has not been reported in the literature in individuals with XRCC2-related conditions. This variant is not present in population databases (ExAC no frequency). This sequence change replaces glycine with aspartic acid at codon 48 of the XRCC2 protein (p.Gly48Asp). The glycine residue is highly conserved and there is a moderate physicochemical difference between glycine and aspartic acid.